The following is an entry in ClinVar:

NM_000551.4(VHL):c.463+12T>C

Genes: VHL (von Hippel-Lindau tumor suppressor; plus strand), LOC107303340 (3p25 von Hippel-Lindau tumor suppressor, E3 ubiquitin protein ligase Alu-mediated recombination region; plus strand). Cytogenetic location: 3p25.3.
Variant type: single nucleotide variant.
Coding change: c.463+12T>C on transcript NM_000551.4 (MANE Select); 12 bases into the intron after coding-DNA position 463, T replaced by C.
Molecular consequence: intron variant.
Genome position (GRCh38, 1-based): chr3:10,146,648, T>C. VCF-style: chr3-10146648-T-C. GRCh37 (hg19) VCF-style: chr3-10188332-T-C.
Other names: c.*18-3139T>C (NM_001354723.2); c.341-3139T>C (NM_198156.3).
Identifiers: ClinVar variation 512738 (VCV000512738.9), dbSNP rs1382435156, ClinGen allele CA541213569.
Genomic context (GRCh38, chr3:10,146,648, plus strand): 5'-TCTCTCAATGTTGACGGACAGCCTATTTTTGCCAATATCACACTGCCAGGTACTGACGTT[T>C]TACTTTTTAAAAAGATAAGGTTGTTGTGGTAAGTACAGGATAGACCACTTGAAAAATTAA-3'

ClinVar aggregate classification (germline): Likely benign. Review status: criteria provided, multiple submitters, no conflicts (2 of 4 stars). 2 submissions from 2 submitters: Likely benign (2). Last evaluated 2025-08-07.

Conditions:
Chuvash polycythemia. Also called: POLYCYTHEMIA, VHL-DEPENDENT. Identifiers: Orphanet 238557, MedGen C1837915, MONDO:0009892, OMIM 263400.
Von Hippel-Lindau syndrome (VHLS). Also called: Von Hippel-Lindau; von Hippel–Lindau syndrome; VHL syndrome. Identifiers: Orphanet 892, MedGen C0019562, MONDO:0008667, OMIM 193300. Disease mechanism: loss of function.

Allele frequency attached by ClinVar (database versions not stated): gnomAD exomes below 0.00001 and 0.00001; gnomAD 0.00001.
gnomAD v4.1: 11 of 1,613,174 alleles (0.00068%); highest among the groups gnomAD compares: Non-Finnish European, 0.00093%; no homozygotes.

Submissions (2):

Labcorp Genetics (formerly Invitae), Labcorp
Classification: Likely benign for Von Hippel-Lindau syndrome; Chuvash polycythemia. Last evaluated: 2025-08-07. Review status: criteria provided, single submitter. Criteria: Invitae Variant Classification Sherloc (09022015). Collection method: clinical testing. Allele origin: germline.

GeneDx
Classification: Likely benign. Last evaluated: 2017-10-17. Review status: criteria provided, single submitter. Criteria: GeneDx Variant Classification (06012015). Collection method: clinical testing. Allele origin: germline. Affected: yes.
Comment: This variant is considered likely benign or benign based on one or more of the following criteria: it is a conservative change, it occurs at a poorly conserved position in the protein, it is predicted to be benign by multiple in silico algorithms, and/or has population frequency not consistent with disease.